The following is an entry in ClinVar:

NM_000535.7(PMS2):c.256A>G (p.Lys86Glu)

Gene: PMS2 (PMS1 homolog 2, mismatch repair system component; minus strand). Cytogenetic location: 7p22.1.
Variant type: single nucleotide variant.
Coding change: c.256A>G on transcript NM_000535.7 (MANE Select); coding-DNA position 256, A replaced by G.
Protein change: p.Lys86Glu; replaces lysine 86 with glutamic acid.
Molecular consequence: missense variant. On other transcripts: 5 prime UTR variant (9), non-coding transcript variant (1), intron variant (2).
Genome position (GRCh38, 1-based): chr7:6,003,787, T>C on the plus strand (A>G on the coding strand, the complement: PMS2 is on the minus strand). VCF-style: chr7-6003787-T-C. GRCh37 (hg19) VCF-style: chr7-6043418-T-C.
Other names: c.-150A>G (NM_001018040.1, NM_001322003.2, NM_001322004.2 and 14 more transcripts); c.256A>G, p.Lys86Glu (NM_001322006.2, NM_001322014.2, NM_001406869.1 and 8 more transcripts); c.-629A>G (NM_001322011.2, NM_001322012.2); c.-229A>G (NM_001322015.2, NM_001406875.1, NM_001406877.1 and 3 more transcripts); c.442A>G, p.Lys148Glu (NM_001406866.1); c.280A>G, p.Lys94Glu (NM_001406868.1); c.-176A>G (NM_001406880.1); c.-97A>G (NM_001406888.1, NM_001406889.1, NM_001406892.1 and 6 more transcripts); and 2 more; short protein forms K148E, K86E, K94E.
Identifiers: ClinVar variation 2127876 (VCV002127876.4), dbSNP rs544441867, ClinGen allele CA366744726.

ClinVar aggregate classification (germline): Uncertain significance (1 of 4 stars; one submission).

Conditions:
Hereditary nonpolyposis colorectal neoplasms. Identifiers: MedGen C0009405, MeSH D003123.

Submission:

Labcorp Genetics (formerly Invitae), Labcorp
Classification: Uncertain significance for Hereditary nonpolyposis colorectal neoplasms. Last evaluated: 2022-04-19. Review status: criteria provided, single submitter. Criteria: Invitae Variant Classification Sherloc (09022015). Collection method: clinical testing. Allele origin: germline.
Comment: This variant has not been reported in the literature in individuals affected with PMS2-related conditions. This variant is not present in population databases (gnomAD no frequency). This sequence change replaces lysine, which is basic and polar, with glutamic acid, which is acidic and polar, at codon 86 of the PMS2 protein (p.Lys86Glu). Advanced modeling of protein sequence and biophysical properties (such as structural, functional, and spatial information, amino acid conservation, physicochemical variation, residue mobility, and thermodynamic stability) performed at Invitae indicates that this missense variant is not expected to disrupt PMS2 protein function. In summary, the available evidence is currently insufficient to determine the role of this variant in disease. Therefore, it has been classified as a Variant of Uncertain Significance.